The following is an entry in ClinVar:

ClinVar aggregate classification (germline): Pathogenic/Likely pathogenic. Review status: criteria provided, multiple submitters, no conflicts (2 of 4 stars). 2 submissions from 2 submitters: Pathogenic (1); Likely pathogenic (1). Last evaluated 2025-07-23.

Conditions:
Hereditary spastic paraplegia. Also called: Familial spastic paraparesis. Identifiers: Orphanet 685, MedGen C0037773, MONDO:0019064. Disease mechanism: loss of function.
Hereditary spastic paraplegia 4. Also called: Familial spastic paraplegia autosomal dominant 2; Spastic Paraplegia 4; Spastic paraplegia 4, autosomal dominant. Identifiers: Orphanet 100985, MedGen C1866855, MONDO:0008438, OMIM 182601.

Submissions (2):

Labcorp Genetics (formerly Invitae), Labcorp
Classification: Pathogenic for Hereditary spastic paraplegia 4. Last evaluated: 2025-07-23. Review status: criteria provided, single submitter. Criteria: Invitae Variant Classification Sherloc (09022015). Collection method: clinical testing. Allele origin: germline.
Comment: This sequence change creates a premature translational stop signal (p.Lys121*) in the SPAST gene. It is expected to result in an absent or disrupted protein product. Loss-of-function variants in SPAST are known to be pathogenic (PMID: 20932283). This variant is not present in population databases (gnomAD no frequency). This premature translational stop signal has been observed in individual(s) with clinical features of hereditary spastic paraplegia (PMID: 22552817). ClinVar contains an entry for this variant (Variation ID: 1344062). For these reasons, this variant has been classified as Pathogenic.

Genome Diagnostics Laboratory, The Hospital for Sick Children
Classification: Likely pathogenic for Hereditary spastic paraplegia. Last evaluated: 2020-04-01. Review status: criteria provided, single submitter. Criteria: ACMG Guidelines, 2015. Collection method: clinical testing. Allele origin: germline. Affected: yes.

Literature cited by the submitters: PubMed 20932283 (cited by Labcorp Genetics (formerly Invitae), Labcorp); PubMed 22552817 (cited by Labcorp Genetics (formerly Invitae), Labcorp).

NM_014946.4(SPAST):c.361A>T (p.Lys121Ter)

Gene: SPAST (spastin; plus strand). Cytogenetic location: 2p22.3.
Variant type: single nucleotide variant.
Coding change: c.361A>T on transcript NM_014946.4 (MANE Select); coding-DNA position 361, A replaced by T.
Protein change: p.Lys121Ter; replaces lysine 121 with a stop codon.
Molecular consequence: nonsense.
Genome position (GRCh38, 1-based): chr2:32,064,192, A>T. VCF-style: chr2-32064192-A-T. GRCh37 (hg19) VCF-style: chr2-32289261-A-T.
Other names: c.361A>T, p.Lys121Ter (NM_001363823.2, NM_001363875.2, NM_001377959.1 and 1 more transcripts); short protein forms K121*.
Identifiers: ClinVar variation 1344062 (VCV001344062.8), dbSNP rs1553394620, ClinGen allele CA346602393.
Genomic context (GRCh38, chr2:32,064,192, plus strand): 5'-TCGGCCTCGGCCCCGGCGCCGGTGCCGGGCGGCGAGGCCGAGCGCGTCCGAGTCTTCCAC[A>T]AACAGGCCTTCGAGTACATCTCCATTGCCCTGCGCATCGATGAGGATGAGAAAGGTAACT-3'